The following is an entry in ClinVar:

NM_001042545.2(LTBP4):c.3448G>A (p.Gly1150Ser)

Gene: LTBP4 (latent transforming growth factor beta binding protein 4; plus strand). Cytogenetic location: 19q13.2.
Variant type: single nucleotide variant.
Coding change: c.3448G>A on transcript NM_001042545.2 (MANE Select); coding-DNA position 3448, G replaced by A.
Protein change: p.Gly1150Ser; replaces glycine 1150 with serine.
Molecular consequence: missense variant.
Genome position (GRCh38, 1-based): chr19:40,622,631, G>A. VCF-style: chr19-40622631-G-A. GRCh37 (hg19) VCF-style: chr19-41128536-G-A.
Other names: c.3649G>A, p.Gly1217Ser (NM_001042544.1); c.3538G>A, p.Gly1180Ser (NM_003573.2); short protein forms G1180S, G1150S, G1217S.
Identifiers: ClinVar variation 1913949 (VCV001913949.5), dbSNP rs750747756, ClinGen allele CA9449004.

ClinVar aggregate classification (germline): Uncertain significance (1 of 4 stars; one submission).

Allele frequency attached by ClinVar (database versions not stated): gnomAD 0.00001; ExAC 0.00002; TOPMed 0.00002.
gnomAD v4.1: 87 of 1,608,830 alleles (0.0054%); highest among the groups gnomAD compares: Admixed American, 0.01%; no homozygotes.

Submission:

Labcorp Genetics (formerly Invitae), Labcorp
Classification: Uncertain significance. Last evaluated: 2022-05-24. Review status: criteria provided, single submitter. Criteria: Invitae Variant Classification Sherloc (09022015). Collection method: clinical testing. Allele origin: germline.
Comment: In summary, the available evidence is currently insufficient to determine the role of this variant in disease. Therefore, it has been classified as a Variant of Uncertain Significance. Experimental studies and prediction algorithms are not available or were not evaluated, and the functional significance of this variant is currently unknown. This variant has not been reported in the literature in individuals affected with LTBP4-related conditions. This variant is present in population databases (rs750747756, gnomAD 0.01%). This sequence change replaces glycine, which is neutral and non-polar, with serine, which is neutral and polar, at codon 1180 of the LTBP4 protein (p.Gly1180Ser).